The following is an entry in ClinVar:

ClinVar aggregate classification (germline): Uncertain significance. Review status: criteria provided, single submitter (1 of 4 stars). 2 submissions from 2 submitters: Uncertain significance (1). 1 of the submissions does not count toward it. Last evaluated 2023-11-03.

Conditions:
Autism spectrum disorder. Also called: Autism spectrum disorders. Identifiers: MedGen C1510586, MeSH D000067877, MONDO:0005258.

Allele frequency attached by ClinVar (database versions not stated): TOPMed below 0.00001; gnomAD 0.00001.
gnomAD v4.1: 1 of 1,614,078 alleles (0.000062%); highest among the groups gnomAD compares: East Asian, 0.0022%; no homozygotes.

Submissions (2):

GeneDx
Classification: Uncertain significance. Last evaluated: 2023-11-03. Review status: criteria provided, single submitter. Criteria: GeneDx Variant Classification Process June 2021. Collection method: clinical testing. Allele origin: germline. Affected: yes.
Comment: Reported as a paternally inherited variant in one individual from a large cohort of patients with autism (PMID: 30564305); In silico analysis supports that this missense variant does not alter protein structure/function; Not observed at significant frequency in large population cohorts (gnomAD); This variant is associated with the following publications: (PMID: 30564305)

Center of Medical Genetics, Central South University
Classification: association for Autism spectrum disorder. Review status: no assertion criteria provided. Collection method: clinical testing. Allele origin: paternal. Affected: yes. Observed: 1 variant allele. Not counted in ClinVar's aggregate classification.

NM_015100.4(POGZ):c.3880T>C (p.Ser1294Pro)

Gene: POGZ (pogo transposable element derived with ZNF domain; minus strand). Cytogenetic location: 1q21.3.
Variant type: single nucleotide variant.
Coding change: c.3880T>C on transcript NM_015100.4 (MANE Select); coding-DNA position 3880, T replaced by C.
Protein change: p.Ser1294Pro; replaces serine 1294 with proline.
Molecular consequence: missense variant.
Genome position (GRCh38, 1-based): chr1:151,405,155, A>G on the plus strand (T>C on the coding strand, the complement: POGZ is on the minus strand). VCF-style: chr1-151405155-A-G. GRCh37 (hg19) VCF-style: chr1-151377631-A-G.
Other names: c.3853T>C, p.Ser1285Pro (NM_001194937.2); c.3694T>C, p.Ser1232Pro (NM_001194938.2); c.3595T>C, p.Ser1199Pro (NM_145796.4); c.3721T>C, p.Ser1241Pro (NM_207171.2); short protein forms S1294P, S1232P, S1285P, S1199P, S1241P.
Identifiers: ClinVar variation 560554 (VCV000560554.2), dbSNP rs1484207450, ClinGen allele CA341937462.